The following is an entry in ClinVar:

NM_153717.3(EVC):c.700A>G (p.Met234Val)

Gene: EVC (EvC ciliary complex subunit 1; plus strand). Cytogenetic location: 4p16.2.
Variant type: single nucleotide variant.
Coding change: c.700A>G on transcript NM_153717.3 (MANE Select); coding-DNA position 700, A replaced by G.
Protein change: p.Met234Val; replaces methionine 234 with valine.
Molecular consequence: missense variant.
Genome position (GRCh38, 1-based): chr4:5,733,433, A>G. VCF-style: chr4-5733433-A-G. GRCh37 (hg19) VCF-style: chr4-5735160-A-G.
Other names: c.700A>G, p.Met234Val (NM_001306090.2, NM_001306092.2); short protein forms M234V.
Identifiers: ClinVar variation 2178830 (VCV002178830.2), dbSNP rs758352741, ClinGen allele CA2835800.

ClinVar aggregate classification (germline): Conflicting classifications of pathogenicity. Review status: criteria provided, conflicting classifications (1 of 4 stars). 2 submissions from 2 submitters: Uncertain significance (1); Likely benign (1). Last evaluated 2025-02-16.

Conditions:
Ellis-van Creveld syndrome (EVC). Also called: EVC-Related Ellis-van Creveld Syndrome; EVC2-Related Ellis-van Creveld Syndrome; MESOECTODERMAL DYSPLASIA; Chondroectodermal dysplasia. Identifiers: Orphanet 289, MedGen C0013903, MONDO:0009162, OMIM 225500.
Curry-Hall syndrome (WAD). Also called: WEYERS ACRODENTAL DYSOSTOSIS. Identifiers: Orphanet 952, MedGen C0457013, MONDO:0008673, OMIM 193530.

Allele frequency attached by ClinVar (database versions not stated): ExAC 0.00001; gnomAD exomes 0.00001; gnomAD 0.00007.
gnomAD v4.1: 29 of 1,613,542 alleles (0.0018%); highest among the groups gnomAD compares: Non-Finnish European, 0.002%; no homozygotes.

Submissions (2):

Laboratory of Genetics, Children's Clinical University Hospital Latvia
Classification: Likely benign. Last evaluated: 2025-02-16. Review status: criteria provided, single submitter. Criteria: ACMG Guidelines, 2015. Collection method: clinical testing. Allele origin: germline. Affected: yes.

Labcorp Genetics (formerly Invitae), Labcorp
Classification: Uncertain significance for Curry-Hall syndrome; Ellis-van Creveld syndrome. Last evaluated: 2022-08-16. Review status: criteria provided, single submitter. Criteria: Invitae Variant Classification Sherloc (09022015). Collection method: clinical testing. Allele origin: germline.
Comment: This sequence change replaces methionine, which is neutral and non-polar, with valine, which is neutral and non-polar, at codon 234 of the EVC protein (p.Met234Val). This variant is present in population databases (rs758352741, gnomAD 0.01%). This variant has not been reported in the literature in individuals affected with EVC-related conditions. Algorithms developed to predict the effect of missense changes on protein structure and function output the following: SIFT: "Tolerated"; PolyPhen-2: "Benign"; Align-GVGD: "Class C0". The valine amino acid residue is found in multiple mammalian species, which suggests that this missense change does not adversely affect protein function. In summary, the available evidence is currently insufficient to determine the role of this variant in disease. Therefore, it has been classified as a Variant of Uncertain Significance.